The following is an entry in ClinVar:

NM_001370259.2(MEN1):c.402del (p.Phe134fs)

Gene: MEN1 (menin 1; minus strand). Cytogenetic location: 11q13.1.
Variant type: Deletion.
Coding change: c.402del on transcript NM_001370259.2 (MANE Select); coding-DNA position 402, one base deleted (C; older notation c.402delC).
Protein change: p.Phe134fs; shifts the reading frame from phenylalanine 134.
Molecular consequence: frameshift variant.
Genome position (GRCh38, 1-based): chr11:64,809,708, G deleted on the plus strand (C on the coding strand, the reverse complement: MEN1 is on the minus strand). VCF-style (leftmost placement, unchanged base first): chr11-64809707-TG-T. GRCh37 (hg19) VCF-style: chr11-64577179-TG-T.
Other names: c.402del, p.Phe134fs (NM_001370260.2, NM_001370261.2, NM_001370262.2 and 9 more transcripts); c.402delC (NM_130799.2); short protein forms F134fs.
Identifiers: ClinVar variation 16681 (VCV000016681.31), dbSNP rs397515385, ClinGen allele CA009401.
Genomic context (GRCh38, chr11:64,809,707, plus strand): 5'-CACCTACTGGGCTCCAACCTGTGATGAAGCTGAAGAGGGACTGGATGTGGGCCCGATCCT[TG>T]AAGTAGGAGCGGCTGAGGCTGTTCCATATGACATCGGAGACCTTCTTCACCAGCTCACGG-3'

ClinVar aggregate classification (germline): Pathogenic. Review status: criteria provided, multiple submitters, no conflicts (2 of 4 stars). 11 submissions from 11 submitters: Pathogenic (10). 1 of the submissions does not count toward it. Last evaluated 2025-10-16.

Conditions:
Hereditary cancer-predisposing syndrome. Also called: Hereditary neoplastic syndrome; Neoplastic Syndromes, Hereditary; Tumor predisposition; Hereditary Cancer Syndrome. Identifiers: Orphanet 140162, MedGen C0027672, MeSH D009386, MONDO:0015356.
Multiple endocrine neoplasia, type 1 (MEN1). Also called: MEA I; Endocrine adenomatosis multiple; MEN 1; MEN I; WERMER SYNDROME. Identifiers: Orphanet 652, MedGen C0025267, MeSH D018761, MONDO:0007540, OMIM 131100.

Submissions (11):

Labcorp Genetics (formerly Invitae), Labcorp
Classification: Pathogenic for Multiple endocrine neoplasia, type 1. Last evaluated: 2025-10-16. Review status: criteria provided, single submitter. Criteria: Invitae Variant Classification Sherloc (09022015). Collection method: clinical testing. Allele origin: germline.
Comment: This sequence change creates a premature translational stop signal (p.Phe134Leufs*51) in the MEN1 gene. It is expected to result in an absent or disrupted protein product. Loss-of-function variants in MEN1 are known to be pathogenic (PMID: 12112656, 17853334). This variant is not present in population databases (gnomAD no frequency). This premature translational stop signal has been observed in individuals with multiple endocrine neoplasia type 1 (PMID: 9103196, 9215689, 9463336). Invitae Evidence Modeling of clinical and family history, age, sex, and reported ancestry of multiple individuals with this MEN1 variant has been performed. This variant is expected to be pathogenic with a positive predictive value of at least 99%. This is a validated machine learning model that incorporates the clinical features of 1,366,787 individuals referred to our laboratory for MEN1 testing. This variant is also known as c.512delC. ClinVar contains an entry for this variant (Variation ID: 16681). For these reasons, this variant has been classified as Pathogenic.

Molecular Pathology, Peter Maccallum Cancer Centre
Classification: Pathogenic for Multiple endocrine neoplasia, type 1. Last evaluated: 2025-03-21. Review status: criteria provided, single submitter. Criteria: ACMG Guidelines, 2015. Collection method: clinical testing. Allele origin: germline. Inheritance: Autosomal dominant inheritance.

Institute for Genomic Medicine (IGM) Clinical Laboratory, Nationwide Children's Hospital
Classification: Pathogenic for Multiple endocrine neoplasia, type 1. Last evaluated: 2024-06-04. Review status: criteria provided, single submitter. Criteria: ACMG Guidelines, 2015. Collection method: clinical testing. Allele origin: germline.
Comment: This variant is predicted to result in loss of function through nonsense-mediated decay of the encoded transcript or premature truncation of the encoded protein in a gene in which loss of function is a known mechanism of disease (ACMG/AMP: PVS1; PMIDs:12112656, 17853334). This variant has been reported at an elevated frequency in affected individuals/in multiple affected individuals in the literature (ACMG/AMP: PS4; PMIDs:9103196, 9215689, 9463336, 29264567). This variant is absent from or present at an exceedingly low frequency in gnomAD, a large-scale control population database (ACMG/AMP: PM2).

Ambry Genetics
Classification: Pathogenic for Hereditary cancer-predisposing syndrome. Last evaluated: 2023-11-30. Review status: criteria provided, single submitter. Criteria: Ambry Variant Classification Scheme 2023. Collection method: clinical testing. Allele origin: germline.
Comment: The c.402delC pathogenic mutation, located in coding exon 1 of the MEN1 gene, results from a deletion of one nucleotide at nucleotide position 402, causing a translational frameshift with a predicted alternate stop codon (p.F134Lfs*51). This mutation was detected in several unrelated families with multiple endocrine neoplasia type 1 (MEN1) (Chandrasekharappa et al. Science 1997: 276 (5311): 404-7; Agarwal SK et al, Hum. Mol. Genet. 1997 Jul; 6(7):1169-75). In addition to the clinical data presented in the literature, this alteration is expected to result in loss of function by premature protein truncation or nonsense-mediated mRNA decay. As such, this alteration is interpreted as a disease-causing mutation.

Myriad Genetics, Inc.
Classification: Pathogenic for Multiple endocrine neoplasia, type 1. Last evaluated: 2023-07-07. Review status: criteria provided, single submitter. Criteria: Myriad Autosomal Dominant, Autosomal Recessive and X-Linked Classification Criteria (2023). Collection method: clinical testing. Allele origin: unknown.
Comment: This variant is considered pathogenic. This variant creates a frameshift predicted to result in premature protein truncation.

GeneDx
Classification: Pathogenic. Last evaluated: 2023-04-18. Review status: criteria provided, single submitter. Criteria: GeneDx Variant Classification Process June 2021. Collection method: clinical testing. Allele origin: germline. Affected: yes.
Comment: Frameshift variant predicted to result in protein truncation or nonsense mediated decay in a gene for which loss-of-function is a known mechanism of disease; Not observed at significant frequency in large population cohorts (gnomAD); Also known as c.512delC; This variant is associated with the following publications: (PMID: 9103196, 10870030, 9671267, 9215689, 9681840, 17065424, 17766710, 25153502, 9832038, 29264567, 9463336, 30787465, 11549605, 17853334, 31263451, 12112656)

ARUP Laboratories, Molecular Genetics and Genomics, ARUP Laboratories
Classification: Pathogenic. Last evaluated: 2023-02-15. Review status: criteria provided, single submitter. Criteria: ARUP Molecular Germline Variant Investigation Process 2024. Collection method: clinical testing. Allele origin: germline.
Comment: The MEN1 c.402delC; p.Phe134fs variant (rs397515385), also known as 512delC in alternative nomenclature, is reported in the literature in several individuals and families affected with multiple endocrine neoplasia type 1 (Bassett 1998, Chandrasekharappa 1997, Klein 2005). In one family, this variant was found to segregate with disease in several affected individuals (Chandrasekharappa 1997). This variant is also reported in ClinVar (Variation ID: 16681). The c.402delC variant is absent from the Genome Aggregation Database, indicating it is not a common polymorphism. This variant causes a frameshift by deleting a single nucleotide, so it is predicted to result in a truncated protein or mRNA subject to nonsense-mediated decay. Based on available information, this variant is considered to be pathogenic. References: Bassett JH et al. Characterization of mutations in patients with multiple endocrine neoplasia type 1. Am J Hum Genet. 1998 Feb;62(2):232-44. PMID: 9463336. Chandrasekharappa SC et al. Positional cloning of the gene for multiple endocrine neoplasia-type 1. Science. 1997 Apr 18;276(5311):404-7. PMID: 9103196. Klein RD et al. Clinical testing for multiple endocrine neoplasia type 1 in a DNA diagnostic laboratory. Genet Med. 2005 Feb;7(2):131-8. PMID: 15714081.

Women's Health and Genetics/Laboratory Corporation of America, LabCorp
Classification: Pathogenic for Multiple endocrine neoplasia, type 1. Last evaluated: 2022-12-12. Review status: criteria provided, single submitter. Criteria: LabCorp Variant Classification Summary - May 2015. Collection method: clinical testing. Allele origin: germline.
Comment: Variant summary: MEN1 c.402delC (p.Phe134LeufsX51) results in a premature termination codon, predicted to cause a truncation of the encoded protein or absence of the protein due to nonsense mediated decay, which are commonly known mechanisms for disease. Truncations downstream of this position have been classified as pathogenic by our laboratory. The variant was absent in 251476 control chromosomes (gnomAD). c.402delC (also known as 512delC) has been reported in the literature in multiple individuals affected with Multiple Endocrine Neoplasia Type 1 (examples:Agarwal_1997, Bassett_1998, Chandrasekharappa_1997). These data indicate that the variant is very likely to be associated with disease. Five clinical diagnostic laboratories have submitted clinical-significance assessments for this variant to ClinVar after 2014 and all classified the variant as pathogenic. Based on the evidence outlined above, the variant was classified as pathogenic.

Victorian Clinical Genetics Services, Murdoch Childrens Research Institute
Classification: Pathogenic for Multiple endocrine neoplasia, type 1. Last evaluated: 2020-10-19. Review status: criteria provided, single submitter. Criteria: ACMG Guidelines, 2015. Collection method: clinical testing. Allele origin: germline. Inheritance: Autosomal dominant inheritance.
Comment: Based on the classification scheme VCGS_Germline_v1.3.3, this variant is classified as Pathogenic. Following criteria are met: 0102 - Loss of function is a known mechanism of disease in this gene and is associated with multiple endocrine neoplasia 1, (MIM#). (I) 0107 - This gene is associated with autosomal dominant disease. (I) 0201 - Variant is predicted to cause nonsense-mediated decay (NMD) and loss of protein (premature termination codon is located at least 54 nucleotides upstream of the final exon-exon junction). (SP) 0251 - This variant is heterozygous. (I) 0301 - Variant is absent from gnomAD (both v2 and v3). (SP) 0701 - Other NMD-predicted variants comparable to the one identified in this case have very strong previous evidence for pathogenicity. Many patients with mutations also predicted to result in an NMD-predicted protein, have been reported with multiple endocrine neoplasias with age-dependant penetrance (Decipher, PMID: 31263451). (SP) 0801 - This variant has strong previous evidence of pathogenicity in unrelated individuals. This variant has been reported multiple times as pathogenic, and has been observed in patients with multiple endocrine neoplasias (ClinVar, PMID: 9463336). (I) Legend: (SP) - Supporting pathogenic, (I) - Information, (SB) - Supporting benign

Athena Diagnostics
Classification: Pathogenic. Last evaluated: 2018-02-06. Review status: criteria provided, single submitter. Criteria: Athena Diagnostics Criteria. Collection method: clinical testing. Allele origin: germline.

OMIM
Classification: Pathogenic for MULTIPLE ENDOCRINE NEOPLASIA, TYPE I. Last evaluated: 1997-04-18. Review status: no assertion criteria provided. Collection method: literature only. Allele origin: germline. Not counted in ClinVar's aggregate classification.

Literature cited by the submitters: PubMed 12112656 (cited by Labcorp Genetics (formerly Invitae), Labcorp and Institute for Genomic Medicine (IGM) Clinical Laboratory, Nationwide Children's Hospital); PubMed 17853334 (cited by Labcorp Genetics (formerly Invitae), Labcorp and Institute for Genomic Medicine (IGM) Clinical Laboratory, Nationwide Children's Hospital); PubMed 9103196 (cited by 5 submitters); PubMed 9215689 (cited by 5 submitters); PubMed 9463336 (cited by 6 submitters); PubMed 29264567 (cited by Institute for Genomic Medicine (IGM) Clinical Laboratory, Nationwide Children's Hospital and Athena Diagnostics); PubMed 103196 (cited by Women's Health and Genetics/Laboratory Corporation of America, LabCorp); PubMed 31263451 (cited by Victorian Clinical Genetics Services, Murdoch Childrens Research Institute); PubMed 10870030 (cited by Athena Diagnostics).